The following is an entry in ClinVar:

ClinVar aggregate classification (germline): Uncertain significance (1 of 4 stars; one submission).

Conditions:
Autosomal dominant limb-girdle muscular dystrophy type 1D (DNAJB6) (LGMDD1). Also called: MUSCULAR DYSTROPHY, LIMB-GIRDLE, TYPE 1D; Autosomal dominant limb-girdle muscular dystrophy type 1D; Muscular dystrophy, limb-girdle, autosomal dominant 1; MUSCULAR DYSTROPHY, AUTOSOMAL DOMINANT, WITH RIMMED VACUOLES. Identifiers: Orphanet 34516, MedGen C4721885, MONDO:0021018, OMIM 603511.

Allele frequency attached by ClinVar (database versions not stated): gnomAD exomes 0.00001.
gnomAD v4.1: 5 of 1,613,972 alleles (0.00031%); highest among the groups gnomAD compares: Admixed American, 0.0017%; no homozygotes.

Submission:

Labcorp Genetics (formerly Invitae), Labcorp
Classification: Uncertain significance for Autosomal dominant limb-girdle muscular dystrophy type 1D (DNAJB6). Last evaluated: 2023-12-22. Review status: criteria provided, single submitter. Criteria: Invitae Variant Classification Sherloc (09022015). Collection method: clinical testing. Allele origin: germline.
Comment: This sequence change replaces threonine, which is neutral and polar, with serine, which is neutral and polar, at codon 322 of the DNAJB6 protein (p.Thr322Ser). This variant is present in population databases (no rsID available, gnomAD 0.003%). This variant has not been reported in the literature in individuals affected with DNAJB6-related conditions. ClinVar contains an entry for this variant (Variation ID: 1375152). Advanced modeling of protein sequence and biophysical properties (such as structural, functional, and spatial information, amino acid conservation, physicochemical variation, residue mobility, and thermodynamic stability) performed at Invitae indicates that this missense variant is not expected to disrupt DNAJB6 protein function with a negative predictive value of 95%. In summary, the available evidence is currently insufficient to determine the role of this variant in disease. Therefore, it has been classified as a Variant of Uncertain Significance.

NM_058246.4(DNAJB6):c.964A>T (p.Thr322Ser)

Gene: DNAJB6 (DnaJ heat shock protein family (Hsp40) member B6; plus strand). Cytogenetic location: 7q36.3.
Variant type: single nucleotide variant.
Coding change: c.964A>T on transcript NM_058246.4 (MANE Select); coding-DNA position 964, A replaced by T.
Protein change: p.Thr322Ser; replaces threonine 322 with serine.
Molecular consequence: missense variant.
Genome position (GRCh38, 1-based): chr7:157,416,081, A>T. VCF-style: chr7-157416081-A-T. GRCh37 (hg19) VCF-style: chr7-157208775-A-T.
Other names: c.619A>T, p.Thr207Ser (NM_001363676.1); short protein forms T207S, T322S.
Identifiers: ClinVar variation 1375152 (VCV001375152.6), dbSNP rs953132658, ClinGen allele CA169902237.